The following is an entry in ClinVar:

ClinVar aggregate classification (germline): Pathogenic. Review status: criteria provided, multiple submitters, no conflicts (2 of 4 stars). 3 submissions from 3 submitters: Pathogenic (3). Last evaluated 2021-02-21.

Conditions:
Bethlem myopathy 1A. Also called: MYOPATHY, BENIGN CONGENITAL, WITH CONTRACTURES; Bethlem myopathy 1; Bethlem Muscular Dystrophy. Identifiers: Orphanet 610, MedGen CN029274, MONDO:0024530, OMIM 158810.

Submissions (3):

Labcorp Genetics (formerly Invitae), Labcorp
Classification: Pathogenic for Bethlem myopathy 1A. Last evaluated: 2021-02-21. Review status: criteria provided, single submitter. Criteria: Invitae Variant Classification Sherloc (09022015). Collection method: clinical testing. Allele origin: germline.
Comment: Glycine residues within the Gly-Xaa-Yaa repeats of the triple helix domain are required for the structure and stability of fibrillar collagens (PMID: 7695699, 8218237, 19344236). In COL6A2, missense variants at these glycine residues are significantly enriched in individuals with disease (PMID: 15689448, 24038877) compared to the general population (ExAC). This variant has been observed to be de novo in several individuals affected with congenital muscular dystrophy (PMID: 17785673, 24038877). This variant is not present in population databases (ExAC no frequency). This sequence change replaces glycine with valine at codon 292 of the COL6A2 protein (p.Gly292Val). The glycine residue is highly conserved and there is a moderate physicochemical difference between glycine and valine. For these reasons, this variant has been classified as Pathogenic.

Greenwood Genetic Center Diagnostic Laboratories, Greenwood Genetic Center
Classification: Pathogenic. Last evaluated: 2021-02-08. Review status: criteria provided, single submitter. Criteria: ACMG Guidelines, 2015. Collection method: clinical testing. Allele origin: germline. Affected: yes.
Comment: PS2, PS4_Moderate, PM6_strong, PM1

Eurofins Ntd Llc (ga)
Classification: Pathogenic. Last evaluated: 2016-12-29. Review status: criteria provided, single submitter. Criteria: EGL Classification Definitions 2015. Collection method: clinical testing. Allele origin: germline. Observed: 2 variant alleles, 2 heterozygotes.

Literature cited by the submitters: PubMed 7695699 (cited by Labcorp Genetics (formerly Invitae), Labcorp); PubMed 8218237 (cited by Labcorp Genetics (formerly Invitae), Labcorp); PubMed 19344236 (cited by Labcorp Genetics (formerly Invitae), Labcorp); PubMed 15689448 (cited by Labcorp Genetics (formerly Invitae), Labcorp); PubMed 24038877 (cited by Labcorp Genetics (formerly Invitae), Labcorp and Eurofins Ntd Llc (ga)); PubMed 17785673 (cited by Labcorp Genetics (formerly Invitae), Labcorp and Eurofins Ntd Llc (ga)); PubMed 24801232 (cited by Eurofins Ntd Llc (ga)).

NM_001849.4(COL6A2):c.875G>T (p.Gly292Val)

Gene: COL6A2 (collagen type VI alpha 2 chain; plus strand). Cytogenetic location: 21q22.3.
Variant type: single nucleotide variant.
Coding change: c.875G>T on transcript NM_001849.4 (MANE Select); coding-DNA position 875, G replaced by T.
Protein change: p.Gly292Val; replaces glycine 292 with valine.
Molecular consequence: missense variant.
Genome position (GRCh38, 1-based): chr21:46,116,028, G>T. VCF-style: chr21-46116028-G-T. GRCh37 (hg19) VCF-style: chr21-47535942-G-T.
Other names: c.875G>T, p.Gly292Val (NM_058174.3, NM_058175.3); short protein forms G292V.
Identifiers: ClinVar variation 198473 (VCV000198473.18), dbSNP rs794727855, ClinGen allele CA275394.